The following is an entry in ClinVar:

NM_015374.3(SUN2):c.1400G>A (p.Arg467Gln)

Genes: GTPBP1 (GTP binding protein 1; plus strand), SUN2 (Sad1 and UNC84 domain containing 2; minus strand). Cytogenetic location: 22q13.1.
Variant type: single nucleotide variant.
Coding change: c.1400G>A on transcript NM_015374.3 (MANE Select); coding-DNA position 1400, G replaced by A.
Protein change: p.Arg467Gln; replaces arginine 467 with glutamine.
Molecular consequence: missense variant.
Genome position (GRCh38, 1-based): chr22:38,739,900, C>T on the plus strand (G>A on the coding strand, the complement: SUN2 is on the minus strand). VCF-style: chr22-38739900-C-T. GRCh37 (hg19) VCF-style: chr22-39135905-C-T.
Other names: c.1463G>A, p.Arg488Gln (NM_001199579.2, NM_001394428.1); c.1400G>A, p.Arg467Gln (NM_001199580.2, NM_001394431.1, NM_001394432.1 and 5 more transcripts); c.1493G>A, p.Arg498Gln (NM_001394427.1); c.1445G>A, p.Arg482Gln (NM_001394429.1, NM_001394430.1); c.1310G>A, p.Arg437Gln (NM_001394438.1); c.1262G>A, p.Arg421Gln (NM_001394439.1, NM_001394440.1, NM_001394441.1); c.1001G>A, p.Arg334Gln (NM_001394442.1); c.908G>A, p.Arg303Gln (NM_001394443.1); and 2 more; short protein forms R303Q, R482Q, R467Q, R421Q, R437Q, R498Q, R275Q, R334Q.
Identifiers: ClinVar variation 2863617 (VCV002863617.4), dbSNP rs758653349, ClinGen allele CA10235559.

ClinVar aggregate classification (germline): Uncertain significance. Review status: criteria provided, multiple submitters, no conflicts (2 of 4 stars). 2 submissions from 2 submitters: Uncertain significance (2). Last evaluated 2025-05-04.

Conditions:
Emery-Dreifuss muscular dystrophy (EDMD). Also called: Scapuloperoneal syndrome, X-linked (formerly); Humeroperoneal neuromuscular disease, (formerly). Identifiers: Orphanet 261, MedGen C0410189, MONDO:0016830.

Allele frequency attached by ClinVar (database versions not stated): TOPMed below 0.00001; ExAC 0.00002; gnomAD exomes 0.00002.
gnomAD v4.1: 21 of 1,612,980 alleles (0.0013%); highest among the groups gnomAD compares: Middle Eastern, 0.033%; no homozygotes.

Submissions (2):

Ambry Genetics
Classification: Uncertain significance. Last evaluated: 2025-05-04. Review status: criteria provided, single submitter. Criteria: Ambry Variant Classification Scheme 2023. Collection method: clinical testing. Allele origin: germline.

Labcorp Genetics (formerly Invitae), Labcorp
Classification: Uncertain significance for Emery-Dreifuss muscular dystrophy. Last evaluated: 2024-04-25. Review status: criteria provided, single submitter. Criteria: Invitae Variant Classification Sherloc (09022015). Collection method: clinical testing. Allele origin: germline.
Comment: This sequence change replaces arginine, which is basic and polar, with glutamine, which is neutral and polar, at codon 467 of the SUN2 protein (p.Arg467Gln). This variant is present in population databases (rs758653349, gnomAD 0.003%). This variant has not been reported in the literature in individuals affected with SUN2-related conditions. Algorithms developed to predict the effect of missense changes on protein structure and function output the following: SIFT: "Not Available"; PolyPhen-2: "Benign"; Align-GVGD: "Not Available". The glutamine amino acid residue is found in multiple mammalian species, which suggests that this missense change does not adversely affect protein function. In summary, the available evidence is currently insufficient to determine the role of this variant in disease. Therefore, it has been classified as a Variant of Uncertain Significance.